The following is an entry in ClinVar:

NM_172107.4(KCNQ2):c.637C>T (p.Arg213Trp)

Gene: KCNQ2 (potassium voltage-gated channel subfamily Q member 2; minus strand). Cytogenetic location: 20q13.33.
Variant type: single nucleotide variant.
Coding change: c.637C>T on transcript NM_172107.4 (MANE Select); coding-DNA position 637, C replaced by T.
Protein change: p.Arg213Trp; replaces arginine 213 with tryptophan.
Molecular consequence: missense variant.
Genome position (GRCh38, 1-based): chr20:63,444,712, G>A on the plus strand (C>T on the coding strand, the complement: KCNQ2 is on the minus strand). VCF-style: chr20-63444712-G-A. GRCh37 (hg19) VCF-style: chr20-62076065-G-A.
Other names: p.R213W:CGG>TGG; c.637C>T, p.Arg213Trp (NM_004518.6, NM_172106.3, NM_172108.5 and 1 more transcripts); short protein forms R213W.
Identifiers: ClinVar variation 21795 (VCV000021795.62), dbSNP rs118192203, ClinGen allele CA202848.

ClinVar aggregate classification (germline): Pathogenic. Review status: criteria provided, multiple submitters, no conflicts (2 of 4 stars). 13 submissions from 13 submitters: Pathogenic (12). 1 of the submissions does not count toward it. Last evaluated 2025-09-25.

Conditions:
Early-infantile DEE. Also called: Ohtahara syndrome; Early infantile epileptic encephalopathy; Early infantile epileptic encephalopathy with suppression bursts. Identifiers: Orphanet 1934, MedGen C0393706, MONDO:0800491.
Autosomal dominant KCNQ2-related disorders.
Inborn genetic diseases. Identifiers: MedGen C0950123, MeSH D030342.
KCNQ2-Related Disorders. Also called: KCNQ2-related condition; KCNQ2-related disorder. Identifiers: MedGen CN169299.
Developmental and epileptic encephalopathy, 7 (DEE7). Also called: Early infantile epileptic encephalopathy 7; KCNQ2-Related Neonatal-Onset Developmental and Epileptic Encephalopathy (NEO-DEE); KCNQ2-Related Neonatal Epileptic Encephalopathy. Identifiers: Orphanet 439218, MedGen C3150986, MONDO:0013387, OMIM 613720.
Seizures, benign familial neonatal, 1. Also called: Benign Neonatal Epilepsy 1; KCNQ2-Related Self-Limited Familial Neonatal Epilepsy (SLFNE); KCNQ2-Related Benign Familial Neonatal Epilepsy; Seizures, benign neonatal, 1. Identifiers: Orphanet 1949, MedGen C3149074, MONDO:0007365, OMIM 121200.

Submissions (13):

3billion
Classification: Pathogenic for Developmental and epileptic encephalopathy, 7. Last evaluated: 2025-09-25. Review status: criteria provided, single submitter. Criteria: ACMG Guidelines, 2015. Collection method: clinical testing. Allele origin: germline. Affected: yes.
Comment: The variant is not observed in the gnomAD v4.1.0 dataset. Predicted Consequence/Location: The variant is located in a mutational hot spot and/or well-established functional domain in which established pathogenic variants have been reported. In silico tool predictions suggest damaging effect of the variant on gene or gene product [REVEL: 0.97 (>=0.6, sensitivity 0.68 and specificity 0.92); 3Cnet: 1.00 (> 0.75, sensitivity 0.96 and precision 0.92)]. The same nucleotide change resulting in the same amino acid change has been previously reported as pathogenic/likely pathogenic with strong evidence (ClinVar ID: VCV000021795 /PMID: 18353052). Different missense changes at the same codon (p.Arg213Gln, p.Arg213Gly, p.Arg213Leu) have been reported as pathogenic/likely pathogenic with strong evidence (ClinVar ID: VCV000039760, VCV001685899 /PMID: 22275249, 34120799 /3billion dataset). Therefore, this variant is classified as Pathogenic according to the recommendation of ACMG/AMP guideline.

Variantyx, Inc.
Classification: Pathogenic for Autosomal dominant KCNQ2-related disorders. Last evaluated: 2025-09-15. Review status: criteria provided, single submitter. Criteria: Variantyx Assertion Criteria 2022. Collection method: clinical testing. Allele origin: de novo. Inheritance: Autosomal dominant inheritance. Affected: yes.
Comment: This is a nonsynonymous variant in the KCNQ2 gene (OMIM: 602235). Pathogenic variants in this gene have been associated with autosomal dominant KCNQ2-related disorders. Functional studies have shown that this variant alters KCNQ2 protein function (PMID: 23440208) (PS3), and multiple computational algorithms predict a deleterious effect for this variant (REVEL score: 0.966) (PP3). Moreover, an alternate amino acid change at this position have been reported in similarly affected individuals, which suggests that this residue is biologically important (PMID: 22275249) (PM5). This variant is absent from control populations (PM2). Based on the current evidence, this variant is classified as pathogenic for autosomal dominant KCNQ2-related disorders. This variant was reported by previous genetic testing.

Labcorp Genetics (formerly Invitae), Labcorp
Classification: Pathogenic for Early-infantile DEE. Last evaluated: 2025-04-01. Review status: criteria provided, single submitter. Criteria: Invitae Variant Classification Sherloc (09022015). Collection method: clinical testing. Allele origin: germline.
Comment: This sequence change replaces arginine, which is basic and polar, with tryptophan, which is neutral and slightly polar, at codon 213 of the KCNQ2 protein (p.Arg213Trp). This variant is not present in population databases (gnomAD no frequency). This missense change has been observed in individual(s) with benign familial neonatal seizures or early-onset epilepsy (PMID: 18353052, 27779742, 29056246). In at least one individual the variant was observed to be de novo. It has also been observed to segregate with disease in related individuals. ClinVar contains an entry for this variant (Variation ID: 21795). Invitae Evidence Modeling of protein sequence and biophysical properties (such as structural, functional, and spatial information, amino acid conservation, physicochemical variation, residue mobility, and thermodynamic stability) indicates that this missense variant is expected to disrupt KCNQ2 protein function with a positive predictive value of 95%. Experimental studies have shown that this missense change affects KCNQ2 function (PMID: 23440208). This variant disrupts the p.Arg213 amino acid residue in KCNQ2. Other variant(s) that disrupt this residue have been determined to be pathogenic (PMID: 22275249, 25982755). This suggests that this residue is clinically significant, and that variants that disrupt this residue are likely to be disease-causing. For these reasons, this variant has been classified as Pathogenic.

GeneDx
Classification: Pathogenic. Last evaluated: 2023-03-25. Review status: criteria provided, single submitter. Criteria: GeneDx Variant Classification Process June 2021. Collection method: clinical testing. Allele origin: germline. Affected: yes.
Comment: Published functional studies demonstrate that R213W decreases the stability of the ion channel and decreases voltage sensitivity (Miceli et al., 2013); Not observed at significant frequency in large population cohorts (gnomAD); The majority of missense variants in this gene are considered pathogenic; In silico analysis supports that this missense variant has a deleterious effect on protein structure/function; This variant is associated with the following publications: (PMID: 20437616, 24375629, 24318194, 22455920, 18353052, 29056246, 28038823, 27535030, 26993267, 25959266, 28717674, 27779742, 17765802, 22275249, 32139178, 31512412, 32917465, 32712949, 33726816, 31440721, 33659638, 31440733, 30440138, 23440208)

Blueprint Genetics
Classification: Pathogenic for KCNQ2-related disorders. Last evaluated: 2022-03-09. Review status: criteria provided, single submitter. Criteria: ACMG Guidelines, 2015. Collection method: clinical testing. Allele origin: germline. Affected: yes. Observed: 1 variant allele.

Institute of Human Genetics, University of Leipzig Medical Center
Classification: Pathogenic for Developmental and epileptic encephalopathy, 7. Last evaluated: 2020-10-19. Review status: criteria provided, single submitter. Criteria: ACMG Guidelines, 2015. Collection method: clinical testing. Allele origin: de novo. Affected: yes.
Comment: This variant was identified as de novo (maternity and paternity confirmed).

Ambry Genetics
Classification: Pathogenic for Inborn genetic diseases. Last evaluated: 2019-11-06. Review status: criteria provided, single submitter. Criteria: Ambry Variant Classification Scheme 2023. Collection method: clinical testing. Allele origin: germline.
Comment: The p.R213W pathogenic mutation (also known as c.637C>T), located in coding exon 4 of the KCNQ2 gene, results from a C to T substitution at nucleotide position 637. The arginine at codon 213 is replaced by tryptophan, an amino acid with dissimilar properties. This mutation was detected in two siblings with BFNC (benign familial neonatal convulsions). Neither parent carried the mutation, and after parental relationships were confirmed, authors suspected germline mosaicism (Sadewa AH et al. Pediatr Int, 2008 Apr;50:167-71). In another study, this mutation was detected in an individual with EOEE (early onset epileptic encephalopathy) and was found to be mosaic in a parent (Milh M et al. Am. J. Med. Genet. A, 2015 Oct;167A:2314-8). In addition, this mutation has been detected in individuals with: non-specific epileptic encephalopathy, neonatal seizure disorder, congenital variant of Rett syndrome, and EIMFS (Epilepsy of Infancy with Migrating Focal Seizures) (Butler KM et al. Pediatr. Neurol., 2017 Dec;77:61-66; Zhang Q et al. Clin. Genet., 2017 May;91:717-724; Wang J et al. Mol Genet Genomic Med, 2019 Sep;:e968; Ware TL et al. Epilepsia Open, 2019 Sep;4:504-510). One functional study showed that this mutation destabilized the potassium ion channel and decreased voltage sensitivity (Miceli F et al. Proc. Natl. Acad. Sci. U.S.A., 2013 Mar;110:4386-91). In addition, a different alteration located at the same position, p.R213Q, has been detected in multiple individuals with epilepsy (Weckhuysen S et al. Ann. Neurol., 2012 Jan;71:15-25; Trump N et al. J. Med. Genet., 2016 May;53:310-7) and has been shown to result in a decrease in channel voltage sensitivity (Miceli F et al. Proc. Natl. Acad. Sci. U.S.A., 2013 Mar;110:4386-91; Orhan G et al. Ann. Neurol., 2014 Mar;75:382-94). Based on the supporting evidence, this alteration is interpreted as a disease-causing mutation.

Mendelics
Classification: Pathogenic for Seizures, benign familial neonatal, 1. Last evaluated: 2019-05-28. Review status: criteria provided, single submitter. Criteria: Mendelics Assertion Criteria 2017. Collection method: clinical testing. Allele origin: unknown.

CeGaT Center for Human Genetics Tuebingen
Classification: Pathogenic. Last evaluated: 2018-11-01. Review status: criteria provided, single submitter. Criteria: CeGaT Center For Human Genetics Tuebingen Variant Classification Criteria Version 2. Collection method: clinical testing. Allele origin: germline. Affected: yes. Observed: 4 variant alleles.

Equipe Genetique des Anomalies du Developpement, Université de Bourgogne
Classification: Pathogenic for Developmental and epileptic encephalopathy, 7. Last evaluated: 2017-02-02. Review status: criteria provided, single submitter. Criteria: ACMG Guidelines, 2015. Collection method: clinical testing. Allele origin: unknown. Affected: yes.

Eurofins Ntd Llc (ga)
Classification: Pathogenic. Last evaluated: 2015-02-18. Review status: criteria provided, single submitter. Criteria: EGL Classification Definitions 2015. Collection method: clinical testing. Allele origin: germline. Observed: 1 variant allele, 1 heterozygote.

Juno Genomics, Hangzhou Juno Genomics, Inc
Classification: Pathogenic for Seizures, benign familial neonatal, 1; Developmental and epileptic encephalopathy, 7. Review status: criteria provided, single submitter. Criteria: ACMG Guidelines, 2015. Collection method: clinical testing. Allele origin: germline. Affected: yes.
Comment: Absent from controls (or at extremely low frequency if recessive) in Genome Aggregation Database.;Multiple lines of computational evidence support a deleterious effect on the gene or gene product.;Missense variant in a gene that has a low rate of benign missense variation.;The prevalence of the variant in affected individuals is significantly increased compared to the prevalence in controls.;De novo (both maternity and paternity confirmed) in a patient with the disease and no family history.;Novel missense change at an amino acid residue where a different missense change determined to be pathogenic has been seen before.

GeneReviews
No classification provided. Condition: Developmental and epileptic encephalopathy, 7. Review status: no classification provided. Collection method: literature only. Allele origin: germline. Affected: yes. Not counted in ClinVar's aggregate classification.
Comment: BFNE (benign familial neonatal epilepsy), EE (epileptic encephalopathy)

Functional effect: Rightward shift in current voltage-dependence; increased rate of channel deactivation

Literature cited by the submitters: PubMed 18353052 (cited by 5 submitters); PubMed 22275249 (cited by 3 submitters); PubMed 33659638 (cited by Variantyx, Inc.); PubMed 23440208 (cited by 4 submitters); PubMed 32139178 (cited by Variantyx, Inc.); PubMed 32917465 (cited by Variantyx, Inc.); PubMed 32712949 (cited by Variantyx, Inc.); PubMed 27779742 (cited by Labcorp Genetics (formerly Invitae), Labcorp and Ambry Genetics); PubMed 29056246 (cited by Labcorp Genetics (formerly Invitae), Labcorp and Ambry Genetics); PubMed 25982755 (cited by Labcorp Genetics (formerly Invitae), Labcorp); PubMed 25959266 (cited by Ambry Genetics and GeneReviews); PubMed 28717674 (cited by Ambry Genetics); PubMed 30440138 (cited by Ambry Genetics); PubMed 31440733 (cited by Ambry Genetics); PubMed 31512412 (cited by Ambry Genetics); NCBI Bookshelf NBK32534 (cited by GeneReviews).